The following is an entry in ClinVar:

ClinVar aggregate classification (germline): Pathogenic. Review status: criteria provided, multiple submitters, no conflicts (2 of 4 stars). 2 submissions from 2 submitters: Pathogenic (2). Last evaluated 2019-07-01.

Conditions:
DICER1-related tumor predisposition. Also called: DICER1 syndrome; DICER1-related pleuropulmonary blastoma cancer predisposition syndrome. Identifiers: Orphanet 284343, MedGen C3839822, MONDO:0100216.

Submissions (2):

Foulkes Cancer Genetics LDI, Lady Davis Institute for Medical Research
Classification: Pathogenic for Pleuropulmonary blastoma. Last evaluated: 2019-07-01. Review status: criteria provided, single submitter. Criteria: ACMG Guidelines, 2015. Collection method: curation. Allele origin: germline. Affected: yes. Observed: 1 variant allele.
Comment: ACMG criteria met: PVS1, PM2, PP4

International Pleuropulmonary Blastoma Registry, Children's Hospitals and Clinics of Minnesota
Classification: Pathogenic for Pleuropulmonary blastoma. Last evaluated: 2014-11-10. Review status: criteria provided, single submitter. Criteria: Hill et al. (Science. 2009). Collection method: clinical testing. Allele origin: germline. Affected: yes. Study: PPB-DICER1 Genetic study.

Literature cited by the submitters: PubMed 26925222 (cited by Foulkes Cancer Genetics LDI, Lady Davis Institute for Medical Research and International Pleuropulmonary Blastoma Registry, Children's Hospitals and Clinics of Minnesota).

NM_177438.3(DICER1):c.2243_2244insACTA (p.Cys748Ter)

Gene: DICER1 (dicer 1, ribonuclease III; minus strand). Cytogenetic location: 14q32.13.
Variant type: Insertion.
Coding change: c.2243_2244insACTA on transcript NM_177438.3 (MANE Select); coding-DNA positions 2243 to 2244, ACTA inserted.
Protein change: p.Cys748Ter; replaces cysteine 748 with a stop codon.
Molecular consequence: nonsense.
Genome position: GRCh38 VCF-style: chr14-95111329-G-GTAGT. GRCh37 (hg19) VCF-style: chr14-95577666-G-GTAGT.
Other names: NP_803187.1:p.C748*; c.2243_2244insACTA, p.Cys748Ter (NM_001195573.1, NM_001271282.3, NM_001291628.2 and 1 more transcripts); short protein forms C748*.
Identifiers: ClinVar variation 254307 (VCV000254307.4), dbSNP rs886037688, ClinGen allele CA10586469.